The following is an entry in ClinVar:

ClinVar aggregate classification (germline): Pathogenic (1 of 4 stars; one submission).

Submission:

GeneDx
Classification: Pathogenic. Last evaluated: 2015-05-07. Review status: criteria provided, single submitter. Criteria: GeneDx Variant Classification (06012015). Collection method: clinical testing. Allele origin: germline. Affected: yes.
Comment: The c.303_326dup24 duplication results in an in-frame duplication of 8 Alanine residues in the secondpolyalanine tract of ARX, thereby leading to a protein with 20 Alanine repeats instead of the normal 12repeats, denoted p.Ala108_Ala115dup. Although this variant has not been reported previous to ourknowledge, nearby in-frame duplications have been reported in the Human Gene Mutation Database inassociation with an ARX-related disorder (Stenson, et al., 2014), supporting the functional importance ofthis region of the protein. Therefore, we interpret this variant as pathogenic.

NM_139058.3(ARX):c.303_326dup (p.Ala108_Ala115dup)

Genes: ARX (aristaless related homeobox; minus strand), LOC109610631 (aristaless related homeobox polyalanine expansion region; plus strand). Cytogenetic location: Xp21.3.
Variant type: Duplication.
Coding change: c.303_326dup on transcript NM_139058.3 (MANE Select); coding-DNA positions 303 to 326, 24 bases duplicated (AGCGGCGGCGGCGGCGGCGGCGGC).
Protein change: p.Ala108_Ala115dup.
Molecular consequence: inframe insertion.
Genome position (GRCh38, 1-based): chrX:25,013,669-25,013,692, GCCGCCGCCGCCGCCGCCGCCGCT duplicated on the plus strand (AGCGGCGGCGGCGGCGGCGGCGGC on the coding strand, the reverse complement: ARX is on the minus strand); duplicating any 24 consecutive bases within chrX:25,013,669-25,013,697 gives the same sequence; the c. name uses the placement nearest the transcript's 3' end. VCF-style (leftmost placement, unchanged base first): chrX-25013668-C-CGCCGCCGCCGCCGCCGCCGCCGCT. GRCh37 (hg19) VCF-style: chrX-25031785-C-CGCCGCCGCCGCCGCCGCCGCCGCT.
Other names: c.303_326dupAGCGGCGGCGGCGGCGGCGGCGGC (NM_139058.2).
Identifiers: ClinVar variation 419025 (VCV000419025.2), dbSNP rs1556056425, ClinGen allele CA16621354.